The following is an entry in ClinVar:

NM_024753.5(TTC21B):c.436G>C (p.Val146Leu)

Genes: TTC21B (tetratricopeptide repeat domain 21B; minus strand), TTC21B-AS1 (TTC21B antisense RNA 1; plus strand). Cytogenetic location: 2q24.3.
Variant type: single nucleotide variant.
Coding change: c.436G>C on transcript NM_024753.5 (MANE Select); coding-DNA position 436, G replaced by C.
Protein change: p.Val146Leu; replaces valine 146 with leucine.
Molecular consequence: missense variant.
Genome position (GRCh38, 1-based): chr2:165,943,335, C>G on the plus strand (G>C on the coding strand, the complement: TTC21B is on the minus strand). VCF-style: chr2-165943335-C-G. GRCh37 (hg19) VCF-style: chr2-166799845-C-G.
Other names: c.436G>C (NM_024753.4, NM_024753.3); short protein forms V146L.
Identifiers: ClinVar variation 3584641 (VCV003584641.4).

ClinVar aggregate classification (germline): Uncertain significance. Review status: criteria provided, multiple submitters, no conflicts (2 of 4 stars). 4 submissions from 4 submitters: Uncertain significance (4). Last evaluated 2025-04-13.

Conditions:
Nephronophthisis 12 (NPHP12). Identifiers: Orphanet 655, MedGen C3151186, MONDO:0013442, OMIM 613820.
Asphyxiating thoracic dystrophy 4 (SRTD4). Also called: SHORT-RIB THORACIC DYSPLASIA 4 WITH OR WITHOUT POLYDACTYLY; SHORT-RIB THORACIC DYSPLASIA 4. Identifiers: Orphanet 474, MedGen C3151185, MONDO:0013441, OMIM 613819.
Inborn genetic diseases. Identifiers: MedGen C0950123, MeSH D030342.
TTC21B-related disorder. Also called: TTC21B-related disorders; TTC21B-related condition.

gnomAD v4.1: 16 of 1,605,344 alleles (0.001%); highest among the groups gnomAD compares: Non-Finnish European, 0.0014%; no homozygotes.

Submissions (4):

PreventionGenetics, part of Exact Sciences
Classification: Uncertain significance for TTC21B-related condition. Last evaluated: 2025-04-13. Review status: criteria provided, single submitter. Criteria: ACMG Guidelines, 2015. Collection method: clinical testing. Allele origin: germline.
Comment: The TTC21B c.436G>C variant is predicted to result in the amino acid substitution p.Val146Leu. To our knowledge, this variant has not been reported in the literature. This variant is reported in 0.0023% of alleles in individuals of European (non-Finnish) descent in gnomAD. At this time, the clinical significance of this variant is uncertain due to the absence of conclusive functional and genetic evidence.

Ambry Genetics
Classification: Uncertain significance for Inborn genetic diseases. Last evaluated: 2025-01-23. Review status: criteria provided, single submitter. Criteria: Ambry Variant Classification Scheme 2023. Collection method: clinical testing. Allele origin: germline.

Fulgent Genetics
Classification: Uncertain significance for Asphyxiating thoracic dystrophy 4; Nephronophthisis 12. Last evaluated: 2024-05-28. Review status: criteria provided, single submitter. Criteria: ACMG Guidelines, 2015. Collection method: clinical testing. Allele origin: germline.

Blueprint Genetics
Classification: Uncertain significance. Last evaluated: 2023-09-15. Review status: criteria provided, single submitter. Criteria: ACMG Guidelines, 2015. Collection method: clinical testing. Allele origin: germline.